The following is an entry in ClinVar:

NM_001354712.2(THRB):c.601C>T (p.Arg201Trp)

Genes: THRB (thyroid hormone receptor beta; minus strand), LOC126806630 (CDK7 strongly-dependent group 2 enhancer GRCh37_chr3:24184437-24185636; plus strand). Cytogenetic location: 3p24.2.
Variant type: single nucleotide variant.
Coding change: c.601C>T on transcript NM_001354712.2 (MANE Select); coding-DNA position 601, C replaced by T.
Protein change: p.Arg201Trp; replaces arginine 201 with tryptophan.
Molecular consequence: missense variant.
Genome position (GRCh38, 1-based): chr3:24,143,638, G>A on the plus strand (C>T on the coding strand, the complement: THRB is on the minus strand). VCF-style: chr3-24143638-G-A. GRCh37 (hg19) VCF-style: chr3-24185129-G-A.
Other names: c.601C>T, p.Arg201Trp (NM_001374826.1, NM_001374827.1, NM_000461.5 and 12 more transcripts); c.508C>T, p.Arg170Trp (NM_001354714.2, NM_001354715.2); short protein forms R170W, R201W.
Identifiers: ClinVar variation 4848412 (VCV004848412.1).

ClinVar aggregate classification (germline): Uncertain significance (1 of 4 stars; one submission).

gnomAD v4.1: 3 of 1,614,042 alleles (0.00019%); highest among the groups gnomAD compares: East Asian, 0.0022%; no homozygotes.

Submission:

Women's Health and Genetics/Laboratory Corporation of America, LabCorp
Classification: Uncertain significance. Last evaluated: 2026-04-20. Review status: criteria provided, single submitter. Criteria: LabCorp Variant Classification Summary - May 2015. Collection method: clinical testing. Allele origin: germline.
Comment: Variant summary: THRB c.601C>T (p.Arg201Trp) results in a non-conservative amino acid change in the encoded protein sequence. Algorithms developed to predict the effect of missense changes on protein structure and function all suggest that this variant is likely to be disruptive. The variant allele was found at a frequency of 4e-06 in 251072 control chromosomes. The available data on variant occurrences in the general population are insufficient to allow any conclusion about variant significance. To our knowledge, no occurrence of c.601C>T in individuals affected with THRB-related conditions and no experimental evidence demonstrating its impact on protein function have been reported. No submitters have cited clinical-significance assessments for this variant to ClinVar. Based on the evidence outlined above, the variant was classified as uncertain significance.